The following is an entry in ClinVar:

ClinVar aggregate classification (germline): Uncertain significance (1 of 4 stars; one submission).

gnomAD v4.1: 5 of 1,522,132 alleles (0.00033%); highest among the groups gnomAD compares: Non-Finnish European, 0.00035%; no homozygotes.

Submission:

GeneDx
Classification: Uncertain significance. Last evaluated: 2025-08-04. Review status: criteria provided, single submitter. Criteria: GeneDx Variant Classification Process June 2021. Collection method: clinical testing. Allele origin: germline.
Comment: Not observed at significant frequency in large population cohorts (gnomAD); In silico analysis indicates that this missense variant does not alter protein structure/function; Has not been previously published as pathogenic or benign to our knowledge

NM_005993.5(TBCD):c.16G>A (p.Glu6Lys)

Gene: TBCD (tubulin folding cofactor D). Cytogenetic location: 17q25.3.
Variant type: single nucleotide variant.
Coding change: c.16G>A on transcript NM_005993.5 (MANE Select); coding-DNA position 16, G replaced by A.
Protein change: p.Glu6Lys; replaces glutamic acid 6 with lysine.
Molecular consequence: missense variant.
Genome position (GRCh38, 1-based): chr17:82,752,209, G>A. VCF-style: chr17-82752209-G-A. GRCh37 (hg19) VCF-style: chr17-80710085-G-A.
Other names: c.16G>A, p.Glu6Lys (NM_001411101.1, NM_001411102.1); short protein forms E6K.
Identifiers: ClinVar variation 3731168 (VCV003731168.2).
Genomic context (GRCh38, chr17:82,752,209, plus strand): 5'-ATCTGCGAACACGTGAGGCGGGGGCGCGGTCCCCAGGCTGCCGAGATGGCCCTGAGCGAC[G>A]AACCGGCCGCGGGCGGCCCCGAGGAGGAGGCGGAGGACGAGACACTGGCCTTTGGCGCGG-3'
Protein context (NP_005984.3, residues 1-16): MALSD[Glu6Lys]PAAGGPEEEA